The following is an entry in ClinVar:

NM_024529.5(CDC73):c.238-8G>A

Gene: CDC73 (cell division cycle 73; plus strand). Cytogenetic location: 1q31.2.
Variant type: single nucleotide variant.
Coding change: c.238-8G>A on transcript NM_024529.5 (MANE Select); 8 bases into the intron before coding-DNA position 238, G replaced by A.
Molecular consequence: intron variant.
Genome position (GRCh38, 1-based): chr1:193,130,166, G>A. VCF-style: chr1-193130166-G-A. GRCh37 (hg19) VCF-style: chr1-193099296-G-A.
Identifiers: ClinVar variation 1470484 (VCV001470484.6), dbSNP rs2103117753, ClinGen allele CA2573131349.

ClinVar aggregate classification (germline): Likely pathogenic (1 of 4 stars; one submission).

Conditions:
Parathyroid carcinoma (PRTC). Also called: Parathyroid gland carcinoma; CDC73-Related Parathyroid Carcinoma. Identifiers: Orphanet 143, MedGen C0687150, MONDO:0012004, OMIM 608266, HP:0006780.

Submission:

Labcorp Genetics (formerly Invitae), Labcorp
Classification: Likely pathogenic for Parathyroid carcinoma. Last evaluated: 2022-03-26. Review status: criteria provided, single submitter. Criteria: Invitae Variant Classification Sherloc (09022015). Collection method: clinical testing. Allele origin: germline.
Comment: This sequence change falls in intron 2 of the CDC73 gene. It does not directly change the encoded amino acid sequence of the CDC73 protein. RNA analysis indicates that this variant induces altered splicing and may result in an absent or disrupted protein product. In summary, the currently available evidence indicates that the variant is pathogenic, but additional data are needed to prove that conclusively. Therefore, this variant has been classified as Likely Pathogenic. Studies have shown that this variant alters mRNA splicing and is expected to lead to the loss of protein expression (PMID: 28394026). This variant has been observed in individual(s) with primary hyperparathyroidism (PMID: 28394026). This variant is not present in population databases (gnomAD no frequency).

Literature cited by the submitters: PubMed 28394026.